The following is an entry in ClinVar:

NM_004260.4(RECQL4):c.1484-3C>T

Gene: RECQL4 (RecQ like helicase 4; minus strand). Cytogenetic location: 8q24.3.
Variant type: single nucleotide variant.
Coding change: c.1484-3C>T on transcript NM_004260.4 (MANE Select); 3 bases into the intron before coding-DNA position 1484, C replaced by T.
Molecular consequence: intron variant.
Genome position (GRCh38, 1-based): chr8:144,515,075, G>A on the plus strand (C>T on the coding strand, the complement: RECQL4 is on the minus strand). VCF-style: chr8-144515075-G-A. GRCh37 (hg19) VCF-style: chr8-145740459-G-A.
Identifiers: ClinVar variation 529049 (VCV000529049.15), dbSNP rs372583903, ClinGen allele CA4948828.
Genomic context (GRCh38, chr8:144,515,075, plus strand): 5'-AGCTGGTAGCACAGGGACTTGCCGGCACCTGTAGGCAGCACCAGCAGCGTGGAGATGCCT[G>A]GATGGGGCGGGAGTCAGCAGCAGGGTTCTGCAGCCTGGCCTCAGCCCAGCCTCAGCCCTG-3'

ClinVar aggregate classification (germline): Conflicting classifications of pathogenicity. Review status: criteria provided, conflicting classifications (1 of 4 stars). 3 submissions from 3 submitters: Uncertain significance (1); Likely benign (2). Last evaluated 2025-09-27.

Conditions:
Inborn genetic diseases. Identifiers: MedGen C0950123, MeSH D030342.
Baller-Gerold syndrome (BGS). Also called: CRANIOSYNOSTOSIS WITH RADIAL DEFECTS. Identifiers: Orphanet 1225, MedGen C0265308, MONDO:0009039, OMIM 218600.

Allele frequency attached by ClinVar (database versions not stated): TOPMed below 0.00001; gnomAD 0.00001; gnomAD exomes 0.00002 and 0.00004; ExAC 0.00006; ESP Exome Variant Server 0.00008.

Submissions (3):

Labcorp Genetics (formerly Invitae), Labcorp
Classification: Likely benign for Baller-Gerold syndrome. Last evaluated: 2025-09-27. Review status: criteria provided, single submitter. Criteria: Invitae Variant Classification Sherloc (09022015). Collection method: clinical testing. Allele origin: germline.

Blueprint Genetics
Classification: Likely benign. Last evaluated: 2024-07-02. Review status: criteria provided, single submitter. Criteria: ACMG Guidelines, 2015. Collection method: clinical testing. Allele origin: germline.

Ambry Genetics
Classification: Uncertain significance for Inborn genetic diseases. Last evaluated: 2020-11-20. Review status: criteria provided, single submitter. Criteria: Ambry Variant Classification Scheme 2023. Collection method: clinical testing. Allele origin: germline.
Comment: The c.1484-3C>T intronic alteration consists of a C to T substitution 3 nucleotides before coding exon 9 in the RECQL4 gene. Based on insufficient or conflicting evidence, the clinical significance of this alteration remains unclear.